The following is an entry in ClinVar:

NM_000152.5(GAA):c.2088del (p.Lys697fs)

Gene: GAA (alpha glucosidase; plus strand). Cytogenetic location: 17q25.3.
Variant type: Deletion.
Coding change: c.2088del on transcript NM_000152.5 (MANE Select); coding-DNA position 2088, one base deleted (G; older notation c.2088delG).
Protein change: p.Lys697fs; shifts the reading frame from lysine 697.
Molecular consequence: frameshift variant.
Genome position (GRCh38, 1-based): chr17:80,113,265, G deleted; the last of 2 consecutive G bases (chr17:80,113,264-80,113,265); deleting either gives the same sequence. VCF-style (leftmost placement, unchanged base first): chr17-80113263-AG-A. GRCh37 (hg19) VCF-style: chr17-78087062-AG-A.
Other names: c.2088del, p.Lys697fs (NM_001079803.3, NM_001079804.3); c.2088delG, p.Lys697Argfs (NM_001406741.1, NM_001406742.1); short protein forms K697fs.
Identifiers: ClinVar variation 1725845 (VCV001725845.2), dbSNP rs2510386126, ClinGen allele CA2580095814.

ClinVar aggregate classification (germline): Likely pathogenic (1 of 4 stars; one submission).

Conditions:
Glycogen storage disease, type II (IOPD). Also called: POMPE DISEASE, INFANTILE-ONSET; GLYCOGEN STORAGE DISEASE II, INFANTILE-ONSET; ACID ALPHA-GLUCOSIDASE DEFICIENCY, INFANTILE-ONSET; GAA DEFICIENCY, INFANTILE-ONSET; ACID MALTASE DEFICIENCY, INFANTILE-ONSET; CARDIOMEGALIA GLYCOGENICA DIFFUSA. Identifiers: Orphanet 365, MedGen C0017921, MONDO:0009290, OMIM 232300.

Submission:

Myriad Genetics, Inc.
Classification: Likely pathogenic for Glycogen storage disease, type II. Last evaluated: 2022-04-03. Review status: criteria provided, single submitter. Criteria: Myriad Women's Health Autosomal Recessive and X-Linked Classification Criteria (2021). Collection method: clinical testing. Allele origin: unknown.
Comment: NM_000152.3(GAA):c.2088delG(K697Rfs*67) is expected to be pathogenic in the context of Pompe disease. This variant is predicted to lead to an abnormal or absent protein product due to the creation of a premature termination codon in GAA, a gene where loss-of-function variants are known to be pathogenic. Please note: this variant was assessed in the context of healthy population screening.